The following is an entry in ClinVar:

ClinVar aggregate classification (germline): Likely benign (1 of 4 stars; one submission).

gnomAD v4.1: 518 of 1,613,546 alleles (0.032%); highest among the groups gnomAD compares: Middle Eastern, 0.05%; 2 homozygotes.

Submission:

CeGaT Center for Human Genetics Tuebingen
Classification: Likely benign. Last evaluated: 2026-04-01. Review status: criteria provided, single submitter. Criteria: CeGaT Center For Human Genetics Tuebingen Variant Classification Criteria Version 2. Collection method: clinical testing. Allele origin: germline. Affected: yes. Observed: 1 variant allele.
Comment: UBE4B: BP4, BP7

NM_001105562.3(UBE4B):c.2430C>T (p.Arg810=)

Gene: UBE4B (ubiquitination factor E4B; plus strand). Cytogenetic location: 1p36.22.
Variant type: single nucleotide variant.
Coding change: c.2430C>T on transcript NM_001105562.3 (MANE Select); coding-DNA position 2430, C replaced by T.
Protein change: p.Arg810=; no amino-acid change (arginine 810 retained).
Molecular consequence: synonymous variant.
Genome position (GRCh38, 1-based): chr1:10,145,006, C>T. VCF-style: chr1-10145006-C-T. GRCh37 (hg19) VCF-style: chr1-10205064-C-T.
Other names: c.2583C>T, p.Arg861= (NM_001410744.1); c.2043C>T, p.Arg681= (NM_006048.5).
Identifiers: ClinVar variation 4872929 (VCV004872929.2).
Genomic context (GRCh38, chr1:10,145,006, plus strand): 5'-AGAAGATTTGAAAAATAATGAAAGCCAATGGAAAGATTCCCCACTGGCAACTAGACACCG[C>T]GAAATGCTGAAGCGCTGTAAAACTCAGCTTAAGGTTTGTATAGCTAAGTGGAATAATTAT-3'
Protein context (NP_001099032.1, residues 800-820): WKDSPLATRH[Arg810=]EMLKRCKTQL